The following is an entry in ClinVar:

NM_000399.5(EGR2):c.184A>G (p.Ile62Val)

Gene: EGR2 (early growth response 2; minus strand). Cytogenetic location: 10q21.3.
Variant type: single nucleotide variant.
Coding change: c.184A>G on transcript NM_000399.5 (MANE Select); coding-DNA position 184, A replaced by G.
Protein change: p.Ile62Val; replaces isoleucine 62 with valine.
Molecular consequence: missense variant.
Genome position (GRCh38, 1-based): chr10:62,814,454, T>C on the plus strand (A>G on the coding strand, the complement: EGR2 is on the minus strand). VCF-style: chr10-62814454-T-C. GRCh37 (hg19) VCF-style: chr10-64574214-T-C.
Other names: c.184A>G, p.Ile62Val (NM_001136177.3, NM_001136178.2); c.34A>G, p.Ile12Val (NM_001136179.3, NM_001321037.2); c.223A>G, p.Ile75Val (NM_001410931.1); short protein forms I12V, I62V, I75V.
Identifiers: ClinVar variation 2170668 (VCV002170668.4), dbSNP rs140201739, ClinGen allele CA208352253.

ClinVar aggregate classification (germline): Uncertain significance (1 of 4 stars; one submission).

Conditions:
Charcot-Marie-Tooth disease, type I (CMT1). Also called: Charcot-Marie-Tooth, Type 1; Charcot-Marie-Tooth disease type 1. Identifiers: Orphanet 65753, MedGen C0751036, MONDO:0019011.

Allele frequency attached by ClinVar (database versions not stated): gnomAD exomes below 0.00001; TOPMed 0.00001; ESP Exome Variant Server 0.00008.
gnomAD v4.1: 5 of 1,613,928 alleles (0.00031%); highest among the groups gnomAD compares: Non-Finnish European, 0.00042%; no homozygotes.

Submission:

Labcorp Genetics (formerly Invitae), Labcorp
Classification: Uncertain significance for Charcot-Marie-Tooth disease, type I. Last evaluated: 2022-03-28. Review status: criteria provided, single submitter. Criteria: Invitae Variant Classification Sherloc (09022015). Collection method: clinical testing. Allele origin: germline.
Comment: In summary, the available evidence is currently insufficient to determine the role of this variant in disease. Therefore, it has been classified as a Variant of Uncertain Significance. Algorithms developed to predict the effect of missense changes on protein structure and function output the following: SIFT: "Tolerated"; PolyPhen-2: "Benign"; Align-GVGD: "Class C0". The valine amino acid residue is found in multiple mammalian species, which suggests that this missense change does not adversely affect protein function. This variant has not been reported in the literature in individuals affected with EGR2-related conditions. This variant is present in population databases (rs140201739, gnomAD 0.0009%). This sequence change replaces isoleucine, which is neutral and non-polar, with valine, which is neutral and non-polar, at codon 62 of the EGR2 protein (p.Ile62Val).